The following is an entry in ClinVar:

ClinVar aggregate classification (germline): Benign (1 of 4 stars; one submission).

Allele frequency attached by ClinVar (database versions not stated): 1000 Genomes Project 0.89417; 1000 Genomes Project 30x 0.89647; gnomAD 0.93096 and 0.93614; TOPMed 0.93434.
gnomAD v4.1: 141,633 of 152,178 alleles (93%); highest among the groups gnomAD compares: African/African-American, 97%; 66,034 homozygotes.

Submission:

GeneDx
Classification: Benign. Last evaluated: 2018-06-14. Review status: criteria provided, single submitter. Criteria: GeneDx Variant Classification (06012015). Collection method: clinical testing. Allele origin: germline. Affected: yes.
Comment: This variant is considered likely benign or benign based on one or more of the following criteria: it is a conservative change, it occurs at a poorly conserved position in the protein, it is predicted to be benign by multiple in silico algorithms, and/or has population frequency not consistent with disease.

NM_005633.4(SOS1):c.864+219G>A

Gene: SOS1 (SOS Ras/Rac guanine nucleotide exchange factor 1; minus strand). Cytogenetic location: 2p22.1.
Variant type: single nucleotide variant.
Coding change: c.864+219G>A on transcript NM_005633.4 (MANE Select); 219 bases into the intron after coding-DNA position 864, G replaced by A.
Molecular consequence: intron variant.
Genome position (GRCh38, 1-based): chr2:39,050,925, C>T on the plus strand (G>A on the coding strand, the complement: SOS1 is on the minus strand). VCF-style: chr2-39050925-C-T. GRCh37 (hg19) VCF-style: chr2-39278066-C-T.
Other names: c.843+219G>A (NM_001382394.1); c.864+219G>A (NM_001382395.1).
Identifiers: ClinVar variation 561372 (VCV000561372.1), dbSNP rs4670907, ClinGen allele CA11008516.